The following is an entry in ClinVar:

NM_004991.4(MECOM):c.3028A>G (p.Thr1010Ala)

Gene: MECOM (MDS1 and EVI1 complex locus; minus strand). Cytogenetic location: 3q26.2.
Variant type: single nucleotide variant.
Coding change: c.3028A>G on transcript NM_004991.4 (MANE Select); coding-DNA position 3028, A replaced by G.
Protein change: p.Thr1010Ala; replaces threonine 1010 with alanine.
Molecular consequence: missense variant.
Genome position (GRCh38, 1-based): chr3:169,093,094, T>C on the plus strand (A>G on the coding strand, the complement: MECOM is on the minus strand). VCF-style: chr3-169093094-T-C. GRCh37 (hg19) VCF-style: chr3-168810882-T-C.
Other names: c.2659A>G, p.Thr887Ala (NM_001105077.4); c.2464A>G, p.Thr822Ala (NM_001105078.4, NM_001205194.2, NM_001366469.2 and 1 more transcripts); c.2440A>G, p.Thr814Ala (NM_001163999.2, NM_001366470.2); c.2437A>G, p.Thr813Ala (NM_001164000.2, NM_001366471.2, NM_001366472.2); c.3001A>G, p.Thr1001Ala (NM_001366466.2); c.2467A>G, p.Thr823Ala (NM_001366467.2, NM_001366468.2); c.2029A>G, p.Thr677Ala (NM_001366473.2); c.1465A>G, p.Thr489Ala (NM_001366474.2); short protein forms T822A, T823A, T887A, T1001A, T1010A, T489A, T677A, T813A.
Identifiers: ClinVar variation 3871883 (VCV003871883.1).
Genomic context (GRCh38, chr3:169,093,094, plus strand): 5'-CATCTTCTTTGTCATCCAGAATCGCACCTGTACTTTCCAGTTCAGAATGAGGCGACGATG[T>C]TGCTGTACCTGTGTGGAGCAGAAAGCCTTTTATGACAAAGATTATTGTTTATCTAGCAAC-3'
Protein context (NP_004982.2, residues 1000-1020): HENGNMSGTA[Thr1010Ala]SSPHSELEST

ClinVar aggregate classification (germline): Uncertain significance (1 of 4 stars; one submission).

Conditions:
Inborn genetic diseases. Identifiers: MedGen C0950123, MeSH D030342.

Submission:

Ambry Genetics
Classification: Uncertain significance for Inborn genetic diseases. Last evaluated: 2025-03-06. Review status: criteria provided, single submitter. Criteria: Ambry Variant Classification Scheme 2023. Collection method: clinical testing. Allele origin: germline.
Comment: The p.T1010A variant (also known as c.3028A>G), located in coding exon 14 of the MECOM gene, results from an A to G substitution at nucleotide position 3028. The threonine at codon 1010 is replaced by alanine, an amino acid with similar properties. This amino acid position is conserved. In addition, this alteration is predicted to be tolerated by in silico analysis. Based on the available evidence, the clinical significance of this variant remains unclear.